The following is an entry in ClinVar:

NM_001903.5(CTNNA1):c.2534A>G (p.Lys845Arg)

Gene: CTNNA1 (catenin alpha 1; plus strand). Cytogenetic location: 5q31.2.
Variant type: single nucleotide variant.
Coding change: c.2534A>G on transcript NM_001903.5 (MANE Select); coding-DNA position 2534, A replaced by G.
Protein change: p.Lys845Arg; replaces lysine 845 with arginine.
Molecular consequence: missense variant. On other transcripts: 3 prime UTR variant (5).
Genome position (GRCh38, 1-based): chr5:138,933,902, A>G. VCF-style: chr5-138933902-A-G. GRCh37 (hg19) VCF-style: chr5-138269591-A-G.
Other names: c.*79A>G (NM_001324005.1, NM_001290307.3, NM_001324002.1 and 2 more transcripts); c.1085A>G, p.Lys362Arg (NM_001324006.1, NM_001324007.1, NM_001324008.1 and 2 more transcripts); c.1331A>G, p.Lys444Arg (NM_001324011.1); c.1181A>G, p.Lys394Arg (NM_001324012.1, NM_001324013.1); c.2225A>G, p.Lys742Arg (NM_001290309.3); c.2165A>G, p.Lys722Arg (NM_001290310.3); c.1424A>G, p.Lys475Arg (NM_001290312.1, NM_001323987.1, NM_001323988.1 and 12 more transcripts); c.2534A>G, p.Lys845Arg (NM_001323982.2, NM_001323983.1, NM_001323984.2); and 3 more; short protein forms K430R, K845R, K475R, K742R, K814R, K836R, K394R, K444R.
Identifiers: ClinVar variation 4008005 (VCV004008005.1).

ClinVar aggregate classification (germline): Uncertain significance (1 of 4 stars; one submission).

Conditions:
Hereditary cancer-predisposing syndrome. Also called: Tumor predisposition; Hereditary neoplastic syndrome; Neoplastic Syndromes, Hereditary; Hereditary Cancer Syndrome. Identifiers: Orphanet 140162, MedGen C0027672, MeSH D009386, MONDO:0015356.

Submission:

Ambry Genetics
Classification: Uncertain significance for Hereditary cancer-predisposing syndrome. Last evaluated: 2025-06-13. Review status: criteria provided, single submitter. Criteria: Ambry Variant Classification Scheme 2023. Collection method: clinical testing. Allele origin: germline.
Comment: The p.K845R variant (also known as c.2534A>G), located in coding exon 17 of the CTNNA1 gene, results from an A to G substitution at nucleotide position 2534. The lysine at codon 845 is replaced by arginine, an amino acid with highly similar properties. This amino acid position is conserved. In addition, this alteration is predicted to be tolerated by in silico analysis. Based on the available evidence, the clinical significance of this variant remains unclear.